The following is an entry in ClinVar:

ClinVar aggregate classification (germline): Uncertain significance (1 of 4 stars; one submission).

gnomAD v4.1: 1 of 1,614,202 alleles (0.000062%); highest among the groups gnomAD compares: Non-Finnish European, 0.000085%; no homozygotes.

Submission:

CeGaT Center for Human Genetics Tuebingen
Classification: Uncertain significance. Last evaluated: 2025-01-01. Review status: criteria provided, single submitter. Criteria: CeGaT Center For Human Genetics Tuebingen Variant Classification Criteria Version 2. Collection method: clinical testing. Allele origin: germline. Affected: yes. Observed: 1 variant allele.
Comment: CEP104: PM2, PP3

NM_014704.4(CEP104):c.1658A>G (p.Gln553Arg)

Gene: CEP104 (centrosomal protein 104; minus strand). Cytogenetic location: 1p36.32.
Variant type: single nucleotide variant.
Coding change: c.1658A>G on transcript NM_014704.4 (MANE Select); coding-DNA position 1658, A replaced by G.
Protein change: p.Gln553Arg; replaces glutamine 553 with arginine.
Molecular consequence: missense variant.
Genome position (GRCh38, 1-based): chr1:3,833,863, T>C on the plus strand (A>G on the coding strand, the complement: CEP104 is on the minus strand). VCF-style: chr1-3833863-T-C. GRCh37 (hg19) VCF-style: chr1-3750427-T-C.
Other names: short protein forms Q553R.
Identifiers: ClinVar variation 3771213 (VCV003771213.13).
Genomic context (GRCh38, chr1:3,833,863, plus strand): 5'-GAGAGCTACAGGAATATGTTTATCATCTACGGTTTCAAATGCCGTGGTGAAGTTCAGACC[T>C]GAATAAAATTTGCAGCTGTGACGCGGAGGCGGGCAGAAGAATCTCCAGTTCTGGTGAGCA-3'
Protein context (NP_055519.1, residues 543-563): RLRVTAANFI[Gln553Arg]EMALFKEVKS